The following is an entry in ClinVar:

NM_000051.4(ATM):c.9079dup (p.Ser3027fs)

Genes: ATM (ATM serine/threonine kinase; plus strand), C11orf65 (chromosome 11 open reading frame 65; minus strand). Cytogenetic location: 11q22.3.
Variant type: Duplication.
Coding change: c.9079dup on transcript NM_000051.4 (MANE Select); coding-DNA position 9079, one base duplicated (A; older notation c.9079dupA).
Protein change: p.Ser3027fs; shifts the reading frame from serine 3027.
Molecular consequence: frameshift variant. On other transcripts: intron variant (2).
Genome position (GRCh38, 1-based): chr11:108,365,416, A duplicated. VCF-style (leftmost placement, unchanged base first): chr11-108365415-C-CA. GRCh37 (hg19) VCF-style: chr11-108236142-C-CA.
Other names: p.Ser3027Lysfs*36; c.9079dupA (NM_000051.3); c.9079dup, p.Ser3027fs (NM_001351834.2); c.640+20504dup (NM_001330368.2); c.694+20504dup (NM_001351110.2); short protein forms S3027fs.
Identifiers: ClinVar variation 135788 (VCV000135788.33), dbSNP rs587780645, ClinGen allele CA332369.

ClinVar aggregate classification (germline): Pathogenic/Likely pathogenic. Review status: criteria provided, multiple submitters, no conflicts (2 of 4 stars). 17 submissions from 17 submitters: Pathogenic (9); Likely pathogenic (7). 1 of the submissions does not count toward it. Last evaluated 2026-09-14.

Conditions:
ATM-related cancer predisposition. Also called: ATM-related cancer susceptibility. Identifiers: MedGen CN377759, MONDO:0700270.
ATM-related disorder. Also called: ATM-related disorders; ATM-related condition.
Hereditary cancer-predisposing syndrome. Also called: Neoplastic Syndromes, Hereditary; Hereditary Cancer Syndrome; Tumor predisposition; Hereditary neoplastic syndrome. Identifiers: Orphanet 140162, MedGen C0027672, MeSH D009386, MONDO:0015356.
Familial cancer of breast. Also called: BREAST CANCER, FAMILIAL; hereditary breast carcinoma; Hereditary breast cancer. Identifiers: Orphanet 227535, MedGen C0346153, MONDO:0016419, OMIM 114480. Disease mechanism: loss of function.
Ataxia-telangiectasia syndrome (AT). Also called: Ataxia-telangiectasia, complementation group D; AT, COMPLEMENTATION GROUP C; Ataxia-telangiectasia; ATAXIA-TELANGIECTASIA, COMPLEMENTATION GROUP A; ATAXIA-TELANGIECTASIA, FRESNO VARIANT; Ataxia-telangiectasia, complementation group E. Identifiers: Orphanet 100, MedGen C0004135, MONDO:0008840, OMIM 208900.

Allele frequency attached by ClinVar (database versions not stated): gnomAD exomes below 0.00001.

Submissions 1 to 12 of 17:

Hema, HEMA – Genetic and Molecular Diagnostic Laboratory
Classification: Pathogenic for ATM-related cancer predisposition. Last evaluated: 2026-09-14. Review status: criteria provided, single submitter. Criteria: HEMA Variant Classification Assertion Criteria. Collection method: clinical testing. Allele origin: germline.
Comment: It is a nucleotide duplication that results in a frameshift in ATM. PVS1: It is a frameshift variant that escapes nonsense-mediated decay but affects an essential region of the FATKIN domain (2980-3047) according to the ClinGen Hereditary Breast, Ovarian and Pancreatic Cancer Variant Curation Expert Panel. PM2_Supporting: Present at very low frequency in the gnomAD database. PM3_Strong: The variant has been reported in conjunction with pathogenic variants in two individuals with ataxia telangiectasia, in one of them in trans and in the other without determination of phase (PMID: 15039971, 21965147).

Dasa
Classification: Pathogenic for ATM-related cancer predisposition. Last evaluated: 2025-12-29. Review status: criteria provided, single submitter. Criteria: DASA Assertion Criteria. Collection method: clinical testing. Allele origin: germline.
Comment: NM_000051.4(ATM):c.9079dup (p.Ser3027LysfsTer36) introduces a premature termination codon predicted to result in loss of normal protein function. Loss-of-function is an established mechanism of disease for this gene. This variant has been reported in individuals with ATM-related cancer predisposition (PMID: 26270727). The variant is present at low frequency in population datasets. Based on the available data, this variant is classified as pathogenic.

GeneDx
Classification: Pathogenic. Last evaluated: 2025-12-22. Review status: criteria provided, single submitter. Criteria: GeneDx Variant Classification Process June 2021. Collection method: clinical testing. Allele origin: germline. Affected: yes.
Comment: Frameshift variant predicted to result in protein truncation or nonsense mediated decay in a gene for which loss of function is a known mechanism of disease; Observed in individuals with breast, prostate, or colorectal cancer (PMID: 26270727, 33436325, 28135145); Not observed at significant frequency in large population cohorts (gnomAD); Truncating variants in this gene are considered pathogenic by a well-established clinical consortium and/or database; This variant is associated with the following publications: (PMID: 10980530, 12815592, 32191290, 26270727, 21965147, 33436325, 29922827, 15039971, 28135145, 37436117)

Labcorp Genetics (formerly Invitae), Labcorp
Classification: Pathogenic for Ataxia-telangiectasia syndrome. Last evaluated: 2025-10-25. Review status: criteria provided, single submitter. Criteria: Invitae Variant Classification Sherloc (09022015). Collection method: clinical testing. Allele origin: germline.
Comment: This sequence change is expected to alter the c-terminus of the ATM protein (p.Ser3027Lysfs*36). While this is not anticipated to result in nonsense mediated decay, it is expected to disrupt the last 30 amino acid(s) of the ATM protein and extend the protein by 5 additional amino acid residues. This variant is present in population databases (rs587780645, gnomAD 0.003%). This frameshift has been observed in individual(s) with ATM-related conditions (PMID: 15039971, 21965147, 26270727). In at least one individual the data is consistent with being in trans (on the opposite chromosome) from a pathogenic variant. This variant is also known as 9080insA, c.9080dupA, and c.9078_9079insA. ClinVar contains an entry for this variant (Variation ID: 135788). This variant disrupts a region of the ATM protein in which other variant(s) (p.Arg3047*) have been determined to be pathogenic (PMID: 8755918, 19431188, 19691550). This suggests that this is a clinically significant region of the protein, and that variants that disrupt it are likely to be disease-causing. For these reasons, this variant has been classified as Pathogenic.

Ambry Genetics
Classification: Pathogenic for Hereditary cancer-predisposing syndrome. Last evaluated: 2025-09-17. Review status: criteria provided, single submitter. Criteria: Ambry Variant Classification Scheme 2023. Collection method: clinical testing. Allele origin: germline.
Comment: The c.9079dupA pathogenic mutation, located in coding exon 62 of the ATM gene, results from a duplication of A at nucleotide position 9079, causing a translational frameshift with a predicted alternate stop codon (p.S3027Kfs*36). This alteration occurs at the 3' terminus of thegene, is not expected to trigger nonsense-mediated mRNAdecay and results in the elongation of the protein by five amino acids. This frameshift impacts the last 30amino acids of the native protein. However, frameshifts are typically deleterious in nature and the impacted region is critical for protein function (Ambry internal data). This variant has been identified in the homozygous state and/or in conjunction with other ATM variant(s) in individual(s) with features consistent with ataxia telangiectasia (Coutinho G et al. Am. J. Med. Genet. A 2004 Apr;126A(1):33-40). As such, this alteration is interpreted as a disease-causing mutation.

Natera, Inc.
Classification: Pathogenic for Ataxia-telangiectasia. Last evaluated: 2024-07-31. Review status: criteria provided, single submitter. Criteria: Natera Variant Classification Schema (03/2026). Collection method: clinical testing. Allele origin: germline.
Comment: The c.9079dupA variant in ATM is a frameshift variant predicted to elongate the protein beyond the termination codon. This variant is expected to result in nonsense mediated decay, truncation, or a dysfunctional protein product. This variant is rare in the general population with a frequency below the threshold expected for the associated phenotype(s). This variant has been observed in one or more individuals affected with the associated recessive disease, as either homozygous or compound heterozygous with a second variant (PMID: 21965147, 15039971). Given the available evidence, this variant is classified as Pathogenic.

Mayo Clinic Laboratories, Mayo Clinic
Classification: Likely pathogenic. Last evaluated: 2024-07-16. Review status: criteria provided, single submitter. Criteria: ACMG Guidelines, 2015. Collection method: clinical testing. Allele origin: germline. Observed: 1 variant allele.
Comment: PM2, PM3_strong, PVS1_strong

Fulgent Genetics
Classification: Pathogenic for Familial cancer of breast; Ataxia-telangiectasia syndrome. Last evaluated: 2024-03-21. Review status: criteria provided, single submitter. Criteria: ACMG Guidelines, 2015. Collection method: clinical testing. Allele origin: germline.

Baylor Genetics
Classification: Pathogenic for Familial cancer of breast. Last evaluated: 2024-03-11. Review status: criteria provided, single submitter. Criteria: ACMG Guidelines, 2015. Collection method: clinical testing. Allele origin: unknown.

Myriad Genetics, Inc.
Classification: Likely pathogenic for Familial cancer of breast. Last evaluated: 2024-02-06. Review status: criteria provided, single submitter. Criteria: Myriad Autosomal Dominant, Autosomal Recessive and X-Linked Classification Criteria (2023). Collection method: clinical testing. Allele origin: unknown.
Comment: This variant is considered likely pathogenic. This variant creates a frameshift predicted to result in the incorporation of abnormal amino acid sequence into the protein product and abnormal protein elongation. This variant has been reported in multiple individuals with clinical features of gene-specific disease [PMID: 15039971, 21965147].

Blueprint Genetics
Classification: Likely pathogenic for ATM-related disorders. Last evaluated: 2023-12-21. Review status: criteria provided, single submitter. Criteria: ACMG Guidelines, 2015. Collection method: clinical testing. Allele origin: germline. Affected: yes. Observed: 2 variant alleles.

Women's Health and Genetics/Laboratory Corporation of America, LabCorp
Classification: Pathogenic for Ataxia-telangiectasia syndrome. Last evaluated: 2022-05-23. Review status: criteria provided, single submitter. Criteria: LabCorp Variant Classification Summary - May 2015. Collection method: clinical testing. Allele origin: germline.
Comment: Variant summary: ATM c.9079dupA (p.Ser3027LysfsX36) causes a frameshift which results in an extension of the protein. The variant allele was found at a frequency of 4e-06 in 251460 control chromosomes. c.9079dupA has been reported in the literature in individuals affected with Ataxia-Telangiectasia and related conditions (example, Coutinho_2004, Demuth_2011, Feliubadal_2021). Seven clinical diagnostic laboratories have submitted clinical-significance assessments for this variant to ClinVar after 2014 without evidence for independent evaluation. All laboratories classified the variant as pathogenic/likely pathogenic. Based on the evidence outlined above, the variant was classified as pathogenic.